The following is an entry in ClinVar:

NM_000138.5(FBN1):c.7897T>C (p.Cys2633Arg)

Gene: FBN1 (fibrillin 1; minus strand). Cytogenetic location: 15q21.1.
Variant type: single nucleotide variant.
Coding change: c.7897T>C on transcript NM_000138.5 (MANE Select); coding-DNA position 7897, T replaced by C.
Protein change: p.Cys2633Arg; replaces cysteine 2633 with arginine.
Molecular consequence: missense variant.
Genome position (GRCh38, 1-based): chr15:48,415,690, A>G on the plus strand (T>C on the coding strand, the complement: FBN1 is on the minus strand). VCF-style: chr15-48415690-A-G. GRCh37 (hg19) VCF-style: chr15-48707887-A-G.
Other names: short protein forms C2633R.
Identifiers: ClinVar variation 520232 (VCV000520232.6), dbSNP rs1555393871, ClinGen allele CA392323235.

ClinVar aggregate classification (germline): Pathogenic/Likely pathogenic. Review status: criteria provided, multiple submitters, no conflicts (2 of 4 stars). 2 submissions from 2 submitters: Pathogenic (1); Likely pathogenic (1). Last evaluated 2024-03-12.

Conditions:
MASS syndrome (OCTD). Also called: OVERLAP CONNECTIVE TISSUE DISEASE; MASS PHENOTYPE. Identifiers: MedGen C1858556, MONDO:0011431, OMIM 604308.
Progeroid and marfanoid aspect-lipodystrophy syndrome. Also called: MARFANOID-PROGEROID SYNDROME; MARFAN-PROGEROID-LIPODYSTROPHY SYNDROME; Marfan lipodystrophy syndrome; MARFANOID-PROGEROID-LIPODYSTROPHY SYNDROME. Identifiers: Orphanet 300382, MedGen C4310796, MONDO:0014831, OMIM 616914.
Ectopia lentis 1, isolated, autosomal dominant (ECTOL1). Identifiers: Orphanet 1885, MedGen C3541518, MONDO:0007514, OMIM 129600.
Weill-Marchesani syndrome 2, dominant. Also called: Weill-Marchesani Syndrome, Autosomal Dominant; FBN1-Related Weill-Marchesani Syndrome. Identifiers: Orphanet 2084, MedGen C1869115, MONDO:0012013, OMIM 608328.
Acromicric dysplasia (ACMICD). Also called: Acromicric skeletal dysplasia. Identifiers: Orphanet 969, MedGen C0265287, MONDO:0007055, OMIM 102370.
Geleophysic dysplasia 2 (GPHYSD2). Identifiers: Orphanet 2623, MedGen C3280054, MONDO:0013612, OMIM 614185.
Stiff skin syndrome (SSKS). Identifiers: Orphanet 2833, MedGen C1861456, MONDO:0008492, OMIM 184900.
Marfan syndrome (MFS). Also called: Marfan syndrome type 1; Marfan syndrome, classic; Marfan's syndrome; FBN1-Related Marfan Syndrome; MARFAN SYNDROME, TYPE I. Identifiers: Orphanet 284963, Orphanet 558, MedGen C0024796, MONDO:0007947, OMIM 154700.
Familial thoracic aortic aneurysm and aortic dissection (TAAD). Also called: Thoracic aortic aneurysms and dissections. Identifiers: Orphanet 91387, MedGen C4707243, MONDO:0019625.

Submissions (2):

Fulgent Genetics
Classification: Pathogenic for Acromicric dysplasia; Ectopia lentis 1, isolated, autosomal dominant; Marfan syndrome; Stiff skin syndrome; MASS syndrome; Weill-Marchesani syndrome 2, dominant; Geleophysic dysplasia 2; Progeroid and marfanoid aspect-lipodystrophy syndrome. Last evaluated: 2024-03-12. Review status: criteria provided, single submitter. Criteria: ACMG Guidelines, 2015. Collection method: clinical testing. Allele origin: germline.

Ambry Genetics
Classification: Likely pathogenic for Familial thoracic aortic aneurysm and aortic dissection. Last evaluated: 2020-01-03. Review status: criteria provided, single submitter. Criteria: Ambry Variant Classification Scheme 2023. Collection method: clinical testing. Allele origin: germline.
Comment: The p.C2633R variant (also known as c.7897T>C), located in coding exon 63 of the FBN1 gene, results from a T to C substitution at nucleotide position 7897. The cysteine at codon 2633 is replaced by arginine, an amino acid with highly dissimilar properties. The majority of FBN1 mutations identified to date have involved the substitution or generation of cysteine residues within cbEGF domains (Vollbrandt T et al. J Biol Chem. 2004;279(31):32924-32931). This particular cysteine substitution occurs in the cbEGF-like domain #42 and has been reported to segregate with disease in one family with significant Marfan syndrome findings (Stevic I et al, Biochem. Genet. 2014 Jun; 52(5-6):225-32). Based on internal structural analysis, this alteration eliminates a critical disulfide bond in the structurally sensitive cbEGF-like domain #42 (Ambry internal data). This amino acid position is highly conserved in available vertebrate species. In addition, this alteration is predicted to be deleterious by in silico analysis. Based on the majority of available evidence to date, this variant is likely to be pathogenic.

Literature cited by the submitters: PubMed 24504995 (cited by Ambry Genetics).